The following is an entry in ClinVar:

NM_005012.4(ROR1):c.1503G>A (p.Gln501=)

Gene: ROR1 (ROR family WNT receptor 1; plus strand). Cytogenetic location: 1p31.3.
Variant type: single nucleotide variant.
Coding change: c.1503G>A on transcript NM_005012.4 (MANE Select); coding-DNA position 1503, G replaced by A.
Protein change: p.Gln501=; no amino-acid change (glutamine 501 retained).
Molecular consequence: synonymous variant.
Genome position (GRCh38, 1-based): chr1:64,177,544, G>A. VCF-style: chr1-64177544-G-A. GRCh37 (hg19) VCF-style: chr1-64643227-G-A.
Other names: c.1503G>A (NM_005012.3).
Identifiers: ClinVar variation 2081617 (VCV002081617.5), dbSNP rs374889434, ClinGen allele CA890295.
Genomic context (GRCh38, chr1:64,177,544, plus strand): 5'-GTGTGCCTTTGGAAAAATCTATAAAGGCCATCTCTATCTCCCAGGCATGGACCATGCTCA[G>A]CTGGTTGCTATCAAGACCTTGAAAGACTATAACAACCCCCAGCAATGGACGGAATTTCAA-3'
Protein context (NP_005003.2, residues 491-511): HLYLPGMDHA[Gln501=]LVAIKTLKDY

ClinVar aggregate classification (germline): Likely benign. Review status: criteria provided, multiple submitters, no conflicts (2 of 4 stars). 2 submissions from 2 submitters: Likely benign (2). Last evaluated 2026-04-21.

Conditions:
ROR1-related disorder. Also called: ROR1-related condition.

Allele frequency attached by ClinVar (database versions not stated): gnomAD 0.00001; TOPMed 0.00004; ExAC 0.00007; ESP Exome Variant Server 0.00008; gnomAD exomes 0.00008.
gnomAD v4.1: 129 of 1,614,026 alleles (0.008%); highest among the groups gnomAD compares: Middle Eastern, 0.033%; no homozygotes.

Submissions (2):

PreventionGenetics, part of Exact Sciences
Classification: Likely benign for ROR1-related condition. Last evaluated: 2026-04-21. Review status: criteria provided, single submitter. Criteria: ACMG Guidelines, 2015. Collection method: clinical testing. Allele origin: germline.
Comment: This variant is classified as likely benign based on ACMG/AMP sequence variant interpretation guidelines (Richards et al. 2015 PMID: 25741868, with internal and published modifications).

Labcorp Genetics (formerly Invitae), Labcorp
Classification: Likely benign. Last evaluated: 2025-04-21. Review status: criteria provided, single submitter. Criteria: Invitae Variant Classification Sherloc (09022015). Collection method: clinical testing. Allele origin: germline.